The following is an entry in ClinVar:

ClinVar aggregate classification (germline): Uncertain significance (1 of 4 stars; one submission).

Submission:

GeneDx
Classification: Uncertain significance. Last evaluated: 2026-02-06. Review status: criteria provided, single submitter. Criteria: GeneDx Variant Classification Process June 2021. Collection method: clinical testing. Allele origin: germline.
Comment: Not observed at significant frequency in large population cohorts (gnomAD); In silico analysis supports that this missense variant has a deleterious effect on protein structure/function; Has not been previously published as pathogenic or benign to our knowledge

NM_001349253.2(SCN11A):c.2102T>C (p.Leu701Pro)

Gene: SCN11A (sodium voltage-gated channel alpha subunit 11; minus strand). Cytogenetic location: 3p22.2.
Variant type: single nucleotide variant.
Coding change: c.2102T>C on transcript NM_001349253.2 (MANE Select); coding-DNA position 2102, T replaced by C.
Protein change: p.Leu701Pro; replaces leucine 701 with proline.
Molecular consequence: missense variant.
Genome position (GRCh38, 1-based): chr3:38,897,146, A>G on the plus strand (T>C on the coding strand, the complement: SCN11A is on the minus strand). VCF-style: chr3-38897146-A-G. GRCh37 (hg19) VCF-style: chr3-38938637-A-G.
Other names: c.2102T>C, p.Leu701Pro (NM_014139.3); short protein forms L701P.
Identifiers: ClinVar variation 4086703 (VCV004086703.2).